The following is an entry in ClinVar:

NM_032444.4(SLX4):c.3405C>A (p.Ser1135Arg)

Gene: SLX4 (SLX4 structure-specific endonuclease subunit; minus strand). Cytogenetic location: 16p13.3.
Variant type: single nucleotide variant.
Coding change: c.3405C>A on transcript NM_032444.4 (MANE Select); coding-DNA position 3405, C replaced by A.
Protein change: p.Ser1135Arg; replaces serine 1135 with arginine.
Molecular consequence: missense variant.
Genome position (GRCh38, 1-based): chr16:3,590,233, G>T on the plus strand (C>A on the coding strand, the complement: SLX4 is on the minus strand). VCF-style: chr16-3590233-G-T. GRCh37 (hg19) VCF-style: chr16-3640234-G-T.
Other names: short protein forms S1135R.
Identifiers: ClinVar variation 2760021 (VCV002760021.3), dbSNP rs2548212834, ClinGen allele CA394520207.
Genomic context (GRCh38, chr16:3,590,233, plus strand): 5'-CAGTAAGAGGATGACCTCATCTTCTTCGTTCAGTTTGGATGAAGATTTCTGAGATCTGGA[G>T]CTCGAATGGTCAGGATTTGACTGGGTTAGGTCAATAGACGGAGATTTTTCTGGGAACATC-3'
Protein context (NP_115820.2, residues 1125-1145): DLTQSNPDHS[Ser1135Arg]SRSQKSSSKL

ClinVar aggregate classification (germline): Uncertain significance (1 of 4 stars; one submission).

Conditions:
Fanconi anemia (FA). Also called: Fanconi's anemia. Identifiers: Orphanet 84, MedGen C0015625, MeSH D005199, MONDO:0019391.

Allele frequency attached by ClinVar (database versions not stated): gnomAD exomes 0.00001.
gnomAD v4.1: 3 of 1,614,214 alleles (0.00019%); highest among the groups gnomAD compares: South Asian, 0.0033%; no homozygotes.

Submission:

Labcorp Genetics (formerly Invitae), Labcorp
Classification: Uncertain significance for Fanconi anemia. Last evaluated: 2023-09-11. Review status: criteria provided, single submitter. Criteria: Invitae Variant Classification Sherloc (09022015). Collection method: clinical testing. Allele origin: germline.
Comment: This sequence change replaces serine, which is neutral and polar, with arginine, which is basic and polar, at codon 1135 of the SLX4 protein (p.Ser1135Arg). This variant is not present in population databases (gnomAD no frequency). This variant has not been reported in the literature in individuals affected with SLX4-related conditions. An algorithm developed to predict the effect of missense changes on protein structure and function (PolyPhen-2) suggests that this variant is likely to be disruptive. In summary, the available evidence is currently insufficient to determine the role of this variant in disease. Therefore, it has been classified as a Variant of Uncertain Significance.